The following is an entry in ClinVar:

ClinVar aggregate classification (germline): Conflicting classifications of pathogenicity. Review status: criteria provided, conflicting classifications (1 of 4 stars). 4 submissions from 3 submitters: Uncertain significance (1); Benign (1); Likely benign (2). Last evaluated 2026-01-25.

Conditions:
Congenital prothrombin deficiency. Also called: Factor II deficiency; Hereditary factor II deficiency disease; HYPOPROTHROMBINEMIA; Inherited hypoprothrombinemia; Congenital factor II deficiency; Inherited prothrombin deficiency. Identifiers: Orphanet 325, MedGen C0272317, MONDO:0013361, OMIM 613679.
Thrombophilia due to thrombin defect (THPH1). Also called: Prothrombin Thrombophilia; Thrombosis susceptibility; THROMBOPHILIA DUE TO FACTOR 2 DEFECT; Prothrombin-Related Thrombophilia (Factor II). Identifiers: MedGen C3160733, MONDO:0008559, OMIM 188050. Disease mechanism: gain of function, loss of function.

Allele frequency attached by ClinVar (database versions not stated): 1000 Genomes Project 0.00140; 1000 Genomes Project 30x 0.00156; gnomAD 0.00191 and 0.00195; TOPMed 0.00206; ESP Exome Variant Server 0.00215.
gnomAD v4.1: 5,835 of 1,603,656 alleles (0.36%); highest among the groups gnomAD compares: South Asian, 0.46%; 16 homozygotes.

Submissions (4):

Labcorp Genetics (formerly Invitae), Labcorp
Classification: Benign for Congenital prothrombin deficiency. Last evaluated: 2026-01-25. Review status: criteria provided, single submitter. Criteria: Invitae Variant Classification Sherloc (09022015). Collection method: clinical testing. Allele origin: germline.

Blueprint Genetics
Classification: Likely benign. Last evaluated: 2024-11-14. Review status: criteria provided, single submitter. Criteria: ACMG Guidelines, 2015. Collection method: clinical testing. Allele origin: germline.

Illumina Laboratory Services, Illumina
Classification: Uncertain significance for Thrombophilia due to thrombin defect. Last evaluated: 2018-01-12. Review status: criteria provided, single submitter. Criteria: ICSL Variant Classification Criteria 13 December 2019. Collection method: clinical testing. Allele origin: germline.

Illumina Laboratory Services, Illumina
Classification: Likely benign for Congenital prothrombin deficiency. Last evaluated: 2018-01-12. Review status: criteria provided, single submitter. Criteria: ICSL Variant Classification Criteria 13 December 2019. Collection method: clinical testing. Allele origin: germline.
Comment: This variant was observed in the ICSL laboratory as part of a predisposition screen in an ostensibly healthy population. It had not been previously curated by ICSL or reported in the Human Gene Mutation Database (HGMD: prior to June 1st, 2018), and was therefore a candidate for classification through an automated scoring system. Utilizing variant allele frequency, disease prevalence and penetrance estimates, and inheritance mode, an automated score was calculated to assess if this variant is too frequent to cause the disease. Based on the score and internal cut-off values, a variant classified as likely benign is not then subjected to further curation. The score for this variant resulted in a classification of likely benign for this disease.

NM_000506.5(F2):c.1298+11G>C

Gene: F2 (coagulation factor II, thrombin; plus strand). Cytogenetic location: 11p11.2.
Variant type: single nucleotide variant.
Coding change: c.1298+11G>C on transcript NM_000506.5 (MANE Select); 11 bases into the intron after coding-DNA position 1298, G replaced by C.
Molecular consequence: intron variant.
Genome position (GRCh38, 1-based): chr11:46,728,174, G>C. VCF-style: chr11-46728174-G-C. GRCh37 (hg19) VCF-style: chr11-46749724-G-C.
Identifiers: ClinVar variation 879371 (VCV000879371.8), dbSNP rs144587241, ClinGen allele CA5967243.